The following is an entry in ClinVar:

ClinVar aggregate classification (germline): Pathogenic/Likely pathogenic. Review status: criteria provided, multiple submitters, no conflicts (2 of 4 stars). 2 submissions from 2 submitters: Pathogenic (1); Likely pathogenic (1). Last evaluated 2024-06-14.

Conditions:
MYO3A-related disorder. Also called: MYO3A-related condition.

Allele frequency attached by ClinVar (database versions not stated): TOPMed 0.00003; gnomAD exomes 0.00004; gnomAD 0.00005; ESP Exome Variant Server 0.00015; ExAC 0.00016; 1000 Genomes Project 0.00040; 1000 Genomes Project 30x 0.00062.
gnomAD v4.1: 66 of 1,613,942 alleles (0.0041%); highest among the groups gnomAD compares: South Asian, 0.041%; no homozygotes.

Submissions (2):

Blueprint Genetics
Classification: Likely pathogenic for MYO3A-related disorders. Last evaluated: 2024-06-14. Review status: criteria provided, single submitter. Criteria: ACMG Guidelines, 2015. Collection method: clinical testing. Allele origin: germline. Affected: yes. Observed: 5 variant alleles.

Labcorp Genetics (formerly Invitae), Labcorp
Classification: Pathogenic. Last evaluated: 2022-04-25. Review status: criteria provided, single submitter. Criteria: Invitae Variant Classification Sherloc (09022015). Collection method: clinical testing. Allele origin: germline.
Comment: For these reasons, this variant has been classified as Pathogenic. This variant has not been reported in the literature in individuals affected with MYO3A-related conditions. This variant is present in population databases (rs371876274, gnomAD 0.04%). This sequence change creates a premature translational stop signal (p.Arg1495*) in the MYO3A gene. It is expected to result in an absent or disrupted protein product. Loss-of-function variants in MYO3A are known to be pathogenic (PMID: 12032315, 23990876).

Literature cited by the submitters: PubMed 12032315 (cited by Labcorp Genetics (formerly Invitae), Labcorp); PubMed 23990876 (cited by Labcorp Genetics (formerly Invitae), Labcorp).

NM_017433.5(MYO3A):c.4483C>T (p.Arg1495Ter)

Gene: MYO3A (myosin IIIA; plus strand). Cytogenetic location: 10p12.1.
Variant type: single nucleotide variant.
Coding change: c.4483C>T on transcript NM_017433.5 (MANE Select); coding-DNA position 4483, C replaced by T.
Protein change: p.Arg1495Ter; replaces arginine 1495 with a stop codon.
Molecular consequence: nonsense.
Genome position (GRCh38, 1-based): chr10:26,193,249, C>T. VCF-style: chr10-26193249-C-T. GRCh37 (hg19) VCF-style: chr10-26482178-C-T.
Other names: short protein forms R1495*.
Identifiers: ClinVar variation 2189377 (VCV002189377.4), dbSNP rs371876274, ClinGen allele CA5445479.